The following is an entry in ClinVar:

ClinVar aggregate classification (germline): Uncertain significance (1 of 4 stars; one submission).

Conditions:
Developmental and epileptic encephalopathy, 11 (DEE11). Also called: Early infantile epileptic encephalopathy 11. Identifiers: Orphanet 1934, MedGen C3150987, MONDO:0013388, OMIM 613721.

Submission:

Kasturba Medical College, Manipal, Kasturba Medical College, Manipal, Manipal Academy of Higher Education, Manipal, India
Classification: Uncertain significance for Developmental and epileptic encephalopathy, 11. Review status: criteria provided, single submitter. Criteria: ACMG Guidelines, 2015. Collection method: research. Allele origin: de novo. Inheritance: Autosomal dominant inheritance. Affected: yes.
Comment: This variant is not observed in the gnomAD (v4.1.0) population database and our in-house data of 3754 exomes. In-silico analysis tools (CADD_phred and REVEL) predict the variant as disease-causing and affecting the SCN2A protein function. However, the clinical relevance of the above-mentioned variants is uncertain at present.

NM_001040142.2(SCN2A):c.238G>A (p.Asp80Asn)

Gene: SCN2A (sodium voltage-gated channel alpha subunit 2; plus strand). Cytogenetic location: 2q24.3.
Variant type: single nucleotide variant.
Coding change: c.238G>A on transcript NM_001040142.2 (MANE Select); coding-DNA position 238, G replaced by A.
Protein change: p.Asp80Asn; replaces aspartic acid 80 with asparagine.
Molecular consequence: missense variant.
Genome position (GRCh38, 1-based): chr2:165,296,061, G>A. VCF-style: chr2-165296061-G-A. GRCh37 (hg19) VCF-style: chr2-166152571-G-A.
Other names: c.238G>A, p.Asp80Asn (NM_001040143.2, NM_001371246.1, NM_001371247.1 and 1 more transcripts); short protein forms D80N.
Identifiers: ClinVar variation 4278947 (VCV004278947.1).